The following is an entry in ClinVar:

ClinVar aggregate classification (germline): Likely pathogenic (1 of 4 stars; one submission).

Conditions:
Dilated cardiomyopathy 1G (CMD1G). Identifiers: Orphanet 154, MedGen C1858763, MONDO:0011400, OMIM 604145.
Autosomal recessive limb-girdle muscular dystrophy type 2J (LGMDR10). Also called: Limb-girdle muscular dystrophy, type 2J; MUSCULAR DYSTROPHY, LIMB-GIRDLE, AUTOSOMAL RECESSIVE 10. Identifiers: Orphanet 140922, MedGen C1837342, MONDO:0012127, OMIM 608807.

Submission:

Labcorp Genetics (formerly Invitae), Labcorp
Classification: Likely pathogenic for Dilated cardiomyopathy 1G; Autosomal recessive limb-girdle muscular dystrophy type 2J. Last evaluated: 2021-12-23. Review status: criteria provided, single submitter. Criteria: Invitae Variant Classification Sherloc (09022015). Collection method: clinical testing. Allele origin: germline.
Comment: This variant is located in the A band of TTN (PMID: 25589632). Truncating variants in this region are significantly overrepresented in patients affected with dilated cardiomyopathy (PMID: 25589632). Truncating variants in this region have also been reported in individuals affected with autosomal recessive centronuclear myopathy (PMID: 23975875). This sequence change creates a premature translational stop signal (p.Leu27349*) in the TTN gene. While this is not anticipated to result in nonsense mediated decay, it is expected to create a truncated TTN protein. This variant is not present in population databases (gnomAD no frequency). This variant has not been reported in the literature in individuals affected with TTN-related conditions. In summary, the currently available evidence indicates that the variant is pathogenic, but additional data are needed to prove that conclusively. Therefore, this variant has been classified as Likely Pathogenic.

Literature cited by the submitters: PubMed 25589632; PubMed 23975875.

NM_001267550.2(TTN):c.82044del (p.Ile27348_Leu27349insTer)

Genes: TTN-AS1 (TTN antisense RNA 1; plus strand), TTN (titin; minus strand). Cytogenetic location: 2q31.2.
Variant type: Deletion.
Coding change: c.82044del on transcript NM_001267550.2 (MANE Select); coding-DNA position 82044, one base deleted (T; older notation c.82044delT).
Protein change: p.Ile27348_Leu27349insTer.
Molecular consequence: frameshift variant.
Genome position (GRCh38, 1-based): chr2:178,564,088, A deleted on the plus strand (T on the coding strand, the reverse complement: TTN is on the minus strand); the first of 2 consecutive A bases (chr2:178,564,088-178,564,089); deleting either gives the same sequence. VCF-style (leftmost placement, unchanged base first): chr2-178564087-GA-G. GRCh37 (hg19) VCF-style: chr2-179428814-GA-G.
Other names: c.77121del, p.Ile25707_Leu25708insTer (NM_001256850.1); c.54849del, p.Ile18283_Leu18284insTer (NM_003319.4); c.74340del, p.Ile24780_Leu24781insTer (NM_133378.4); c.55224del, p.Ile18408_Leu18409insTer (NM_133432.3); c.55425del, p.Ile18475_Leu18476insTer (NM_133437.4).
Identifiers: ClinVar variation 2055750 (VCV002055750.4), dbSNP rs2468191858, ClinGen allele CA2580064747.